The following is an entry in ClinVar:

NM_153365.3(TAPT1):c.6G>A (p.Ala2=)

Gene: TAPT1 (transmembrane anterior posterior transformation 1; minus strand). Cytogenetic location: 4p15.32.
Variant type: single nucleotide variant.
Coding change: c.6G>A on transcript NM_153365.3 (MANE Select); coding-DNA position 6, G replaced by A.
Protein change: p.Ala2=; no amino-acid change (alanine 2 retained).
Molecular consequence: synonymous variant.
Genome position (GRCh38, 1-based): chr4:16,226,452, C>T on the plus strand (G>A on the coding strand, the complement: TAPT1 is on the minus strand). VCF-style: chr4-16226452-C-T. GRCh37 (hg19) VCF-style: chr4-16228075-C-T.
Other names: p.Ala2=.
Identifiers: ClinVar variation 1641648 (VCV001641648.9), dbSNP rs997581682, ClinGen allele CA93026040.

ClinVar aggregate classification (germline): Likely benign. Review status: criteria provided, multiple submitters, no conflicts (2 of 4 stars). 2 submissions from 2 submitters: Likely benign (2). Last evaluated 2025-10-30.

Allele frequency attached by ClinVar (database versions not stated): gnomAD exomes 0.00006; gnomAD 0.00033 and 0.00035; TOPMed 0.00037; 1000 Genomes Project 30x 0.00047.
gnomAD v4.1: 116 of 1,064,850 alleles (0.011%); highest among the groups gnomAD compares: African/African-American, 0.17%; 1 homozygote.

Submissions (2):

Mayo Clinic Laboratories, Mayo Clinic
Classification: Likely benign. Last evaluated: 2025-10-30. Review status: criteria provided, single submitter. Criteria: ACMG Guidelines, 2015. Collection method: clinical testing. Allele origin: germline. Observed: 1 variant allele.
Comment: BP4, BP7

Labcorp Genetics (formerly Invitae), Labcorp
Classification: Likely benign. Last evaluated: 2025-06-13. Review status: criteria provided, single submitter. Criteria: Invitae Variant Classification Sherloc (09022015). Collection method: clinical testing. Allele origin: germline.